The following is an entry in ClinVar:

NM_206933.4(USH2A):c.8993C>G (p.Ser2998Cys)

Gene: USH2A (usherin; minus strand). Cytogenetic location: 1q41.
Variant type: single nucleotide variant.
Coding change: c.8993C>G on transcript NM_206933.4 (MANE Select); coding-DNA position 8993, C replaced by G.
Protein change: p.Ser2998Cys; replaces serine 2998 with cysteine.
Molecular consequence: missense variant.
Genome position (GRCh38, 1-based): chr1:215,845,886, G>C on the plus strand (C>G on the coding strand, the complement: USH2A is on the minus strand). VCF-style: chr1-215845886-G-C. GRCh37 (hg19) VCF-style: chr1-216019228-G-C.
Other names: short protein forms S2998C.
Identifiers: ClinVar variation 166466 (VCV000166466.14), dbSNP rs559922535, ClinGen allele CA179529.
Genomic context (GRCh38, chr1:215,845,886, plus strand): 5'-CCATCGCAAGTGGTTGCATGAAGTCCTGCACTGTTGATGCTGTGGACTCCATTGAAGACA[G>C]AGATAAAGATCCAATACTCTGTGTTTGGCTTTAGGTGGCCAATGACATGAGAGTTTACAT-3'
Protein context (NP_996816.3, residues 2988-3008): KPNTEYWIFI[Ser2998Cys]VFNGVHSINS

ClinVar aggregate classification (germline): Conflicting classifications of pathogenicity. Review status: criteria provided, conflicting classifications (1 of 4 stars). 3 submissions from 3 submitters: Uncertain significance (1); Likely benign (1). 1 of the submissions does not count toward it. Last evaluated 2026-01-26.

Conditions:
Retinitis pigmentosa 39 (RP39). Identifiers: Orphanet 791, MedGen C3151138, MONDO:0013436, OMIM 613809.
Usher syndrome type 2A. Also called: RETINAL DISEASE IN USHER SYNDROME TYPE IIA, MODIFIER OF; USHER SYNDROME, TYPE IIA. Identifiers: Orphanet 231178, Orphanet 886, MedGen C1848634, MONDO:0010169, OMIM 276901.

Allele frequency attached by ClinVar (database versions not stated): gnomAD exomes below 0.00001 and 0.00001; gnomAD 0.00001; ExAC 0.00002; 1000 Genomes Project 0.00040; 1000 Genomes Project 30x 0.00047.
gnomAD v4.1: 5 of 1,613,930 alleles (0.00031%); highest among the groups gnomAD compares: South Asian, 0.0055%; no homozygotes.

Submissions (3):

Labcorp Genetics (formerly Invitae), Labcorp
Classification: Uncertain significance. Last evaluated: 2026-01-26. Review status: criteria provided, single submitter. Criteria: Invitae Variant Classification Sherloc (09022015). Collection method: clinical testing. Allele origin: germline.
Comment: This sequence change replaces serine, which is neutral and polar, with cysteine, which is neutral and slightly polar, at codon 2998 of the USH2A protein (p.Ser2998Cys). This variant is present in population databases (rs559922535, gnomAD 0.006%). This variant has not been reported in the literature in individuals affected with USH2A-related conditions. ClinVar contains an entry for this variant (Variation ID: 166466). Invitae Evidence Modeling of protein sequence and biophysical properties (such as structural, functional, and spatial information, amino acid conservation, physicochemical variation, residue mobility, and thermodynamic stability) indicates that this missense variant is not expected to disrupt USH2A protein function with a negative predictive value of 95%. In summary, the available evidence is currently insufficient to determine the role of this variant in disease. Therefore, it has been classified as a Variant of Uncertain Significance.

Laboratory for Molecular Medicine, Mass General Brigham Personalized Medicine
Classification: Likely benign. Last evaluated: 2013-11-06. Review status: criteria provided, single submitter. Criteria: LMM Criteria. Collection method: clinical testing. Allele origin: germline. Observed: 1 variant allele.
Comment: Ser2998Cys in Exon 45 of USH2A: This variant is not expected to have clinical si gnificance because the serine (Ser) residue at position 2998 is poorly conserved across species, with hedgehog, wallaby, and opossum having a cysteine (Cys) at this position. In addition, computational analyses (SIFT, PolyPhen2, and AlignGV GD) suggest that the variant may not impact the protein.

Counsyl
Classification: Uncertain significance for Usher syndrome type 2A; Retinitis pigmentosa 39. Last evaluated: 2017-11-26. Review status: no assertion criteria provided. Collection method: clinical testing. Allele origin: unknown. Not counted in ClinVar's aggregate classification.